The following is an entry in ClinVar:

ClinVar aggregate classification (germline): Uncertain significance (1 of 4 stars; one submission).

Submission:

GeneDx
Classification: Uncertain significance. Last evaluated: 2025-08-26. Review status: criteria provided, single submitter. Criteria: GeneDx Variant Classification Process June 2021. Collection method: clinical testing. Allele origin: germline. Affected: yes.
Comment: Not observed at significant frequency in large population cohorts (gnomAD); In silico analysis supports that this missense variant has a deleterious effect on protein structure/function; Has not been previously published as pathogenic or benign to our knowledge; This variant is associated with the following publications: (PMID: 18602572)

NM_139276.3(STAT3):c.1303G>A (p.Glu435Lys)

Gene: STAT3 (signal transducer and activator of transcription 3; minus strand). Cytogenetic location: 17q21.2.
Variant type: single nucleotide variant.
Coding change: c.1303G>A on transcript NM_139276.3 (MANE Select); coding-DNA position 1303, G replaced by A.
Protein change: p.Glu435Lys; replaces glutamic acid 435 with lysine.
Molecular consequence: missense variant. On other transcripts: intron variant (1).
Genome position (GRCh38, 1-based): chr17:42,326,178, C>T on the plus strand (G>A on the coding strand, the complement: STAT3 is on the minus strand). VCF-style: chr17-42326178-C-T. GRCh37 (hg19) VCF-style: chr17-40478196-C-T.
Other names: c.1303G>A, p.Glu435Lys (NM_001369512.1, NM_001369513.1, NM_001369514.1 and 11 more transcripts); c.1225G>A, p.Glu409Lys (NM_001384985.1); c.1318G>A, p.Glu440Lys (NM_001384986.1, NM_001384990.1); c.1207G>A, p.Glu403Lys (NM_001384989.1); c.1243G>A, p.Glu415Lys (NM_001384992.1); c.1282-1117G>A (NM_001384984.1); short protein forms E403K, E409K, E415K, E435K, E440K.
Identifiers: ClinVar variation 1305948 (VCV001305948.3), dbSNP rs2144730363, ClinGen allele CA399587843.
Genomic context (GRCh38, chr17:42,326,178, plus strand): 5'-CTAGGTCAATCTTGAGGCCTTGGTGATACACCTCGGTCTCAAAGGTGATCAGGTGCAGCT[C>T]CTCAGTCACAATCAGGGAAGCCTACAGTAACGAGAAGGACACTCTTAGGCCAGGTGTGGT-3'
Protein context (NP_644805.1, residues 425-445): NCDASLIVTE[Glu435Lys]LHLITFETEV